The following is an entry in ClinVar:

NM_025139.6(ARMC9):c.1627-4C>T

Gene: ARMC9 (armadillo repeat containing 9; plus strand). Cytogenetic location: 2q37.1.
Variant type: single nucleotide variant.
Coding change: c.1627-4C>T on transcript NM_025139.6; 4 bases into the intron before coding-DNA position 1627, C replaced by T.
Genome position (GRCh38, 1-based): chr2:231,291,349, C>T. VCF-style: chr2-231291349-C-T. GRCh37 (hg19) VCF-style: chr2-232156062-C-T.
Other names: c.1627-4C>T (NM_001271466.4, NM_001352754.2, NM_001352755.2 and 4 more transcripts); c.1528-4C>T (NM_001352757.2, NM_001352758.2).
Identifiers: ClinVar variation 790518 (VCV000790518.13), dbSNP rs114592321, ClinGen allele CA2160428.

ClinVar aggregate classification (germline): Benign. Review status: criteria provided, single submitter (1 of 4 stars). 2 submissions from 2 submitters: Benign (1). 1 of the submissions does not count toward it. Last evaluated 2026-02-01.

Conditions:
ARMC9-related disorder. Also called: ARMC9-related condition.

Allele frequency attached by ClinVar (database versions not stated): gnomAD exomes 0.00287; ExAC 0.00360; gnomAD 0.01138 and 0.01227; 1000 Genomes Project 0.01258; TOPMed 0.01278; 1000 Genomes Project 30x 0.01327; ESP Exome Variant Server 0.01461.
gnomAD v4.1: 3,440 of 1,612,234 alleles (0.21%); highest among the groups gnomAD compares: African/African-American, 4.1%; 50 homozygotes.

Submissions (2):

Labcorp Genetics (formerly Invitae), Labcorp
Classification: Benign. Last evaluated: 2026-02-01. Review status: criteria provided, single submitter. Criteria: Invitae Variant Classification Sherloc (09022015). Collection method: clinical testing. Allele origin: germline.

PreventionGenetics, part of Exact Sciences
Classification: Benign for ARMC9-related condition. Last evaluated: 2019-05-22. Review status: no assertion criteria provided. Collection method: clinical testing. Allele origin: germline. Not counted in ClinVar's aggregate classification.
Comment: This variant is classified as benign based on ACMG/AMP sequence variant interpretation guidelines (Richards et al. 2015 PMID: 25741868, with internal and published modifications).